The following is an entry in ClinVar:

ClinVar aggregate classification (germline): Uncertain significance (1 of 4 stars; one submission).

Conditions:
Arrhythmogenic right ventricular dysplasia 12. Also called: ARRHYTHMOGENIC RIGHT VENTRICULAR DYSPLASIA, FAMILIAL, 12. Identifiers: MedGen C1969081, MONDO:0012684, OMIM 611528.
Naxos disease (NXD). Also called: CARDIOMYOPATHY, ARRHYTHMOGENIC RIGHT VENTRICULAR, WITH SKIN, HAIR, AND NAIL ABNORMALITIES; KERATOSIS PALMOPLANTARIS WITH ARRHYTHMOGENIC CARDIOMYOPATHY; MAL DE NAXOS; PALMOPLANTAR KERATODERMA WITH ARRHYTHMOGENIC RIGHT VENTRICULAR CARDIOMYOPATHY AND WOOLLY HAIR; WOOLLY HAIR, PALMOPLANTAR KERATODERMA, AND CARDIAC ABNORMALITIES. Identifiers: Orphanet 34217, MedGen C1832600, MONDO:0011017, OMIM 601214.

gnomAD v4.1: 2 of 1,607,556 alleles (0.00012%); highest among the groups gnomAD compares: South Asian, 0.0022%; no homozygotes.

Submission:

Labcorp Genetics (formerly Invitae), Labcorp
Classification: Uncertain significance for Arrhythmogenic right ventricular dysplasia 12; Naxos disease. Last evaluated: 2025-02-11. Review status: criteria provided, single submitter. Criteria: Invitae Variant Classification Sherloc (09022015). Collection method: clinical testing. Allele origin: germline.
Comment: This sequence change replaces glutamic acid, which is acidic and polar, with glycine, which is neutral and non-polar, at codon 107 of the JUP protein (p.Glu107Gly). The frequency data for this variant in the population databases is considered unreliable, as metrics indicate poor data quality at this position in the gnomAD database. This variant has not been reported in the literature in individuals affected with JUP-related conditions. An algorithm developed to predict the effect of missense changes on protein structure and function (PolyPhen-2) suggests that this variant is likely to be tolerated. In summary, the available evidence is currently insufficient to determine the role of this variant in disease. Therefore, it has been classified as a Variant of Uncertain Significance.

NM_002230.4(JUP):c.320A>G (p.Glu107Gly)

Gene: JUP (junction plakoglobin; minus strand). Cytogenetic location: 17q21.2.
Variant type: single nucleotide variant.
Coding change: c.320A>G on transcript NM_002230.4 (MANE Select); coding-DNA position 320, A replaced by G.
Protein change: p.Glu107Gly; replaces glutamic acid 107 with glycine.
Molecular consequence: missense variant.
Genome position (GRCh38, 1-based): chr17:41,769,566, T>C on the plus strand (A>G on the coding strand, the complement: JUP is on the minus strand). VCF-style: chr17-41769566-T-C. GRCh37 (hg19) VCF-style: chr17-39925818-T-C.
Other names: c.320A>G, p.Glu107Gly (NM_001352773.2, NM_001352774.2, NM_001352775.2 and 3 more transcripts); short protein forms E107G.
Identifiers: ClinVar variation 4792779 (VCV004792779.1).